The following is an entry in ClinVar:

ClinVar aggregate classification (germline): Uncertain significance. Review status: criteria provided, multiple submitters, no conflicts (2 of 4 stars). 3 submissions from 3 submitters: Uncertain significance (3). Last evaluated 2025-06-10.

Conditions:
Ehlers-Danlos syndrome due to tenascin-X deficiency (EDSCLL1). Also called: TNX DEFICIENCY; EHLERS-DANLOS SYNDROME, CLASSIC-LIKE; Ehlers-Danlos syndrome, classic-like, 1; TNXB-Related Classical-Like Ehlers-Danlos Syndrome; EDS DUE TO TNX DEFICIENCY. Identifiers: Orphanet 230839, MedGen C1848029, MONDO:0011670, OMIM 606408.
Vesicoureteral reflux 8 (VUR8). Identifiers: Orphanet 289365, MedGen C4014831, MONDO:0014422, OMIM 615963.
Cardiovascular phenotype. Identifiers: MedGen CN230736.

Allele frequency attached by ClinVar (database versions not stated): gnomAD 0.00001 and 0.00003; TOPMed 0.00002; gnomAD exomes 0.00003 and 0.00007; ExAC 0.00007; 1000 Genomes Project 30x 0.00031; 1000 Genomes Project 0.00040.
gnomAD v4.1: 52 of 1,598,514 alleles (0.0033%); highest among the groups gnomAD compares: South Asian, 0.042%; no homozygotes.

Submissions (3):

Ambry Genetics
Classification: Uncertain significance for Cardiovascular phenotype. Last evaluated: 2025-06-10. Review status: criteria provided, single submitter. Criteria: Ambry Variant Classification Scheme 2023. Collection method: clinical testing. Allele origin: germline.
Comment: The p.T1071R variant (also known as c.3212C>G), located in coding exon 7 of the TNXB gene, results from a C to G substitution at nucleotide position 3212. The threonine at codon 1071 is replaced by arginine, an amino acid with similar properties. This amino acid position is conserved. In addition, this alteration is predicted to be tolerated by in silico analysis. Since supporting evidence is limited at this time, the clinical significance of this alteration remains unclear.

CeGaT Center for Human Genetics Tuebingen
Classification: Uncertain significance. Last evaluated: 2025-02-01. Review status: criteria provided, single submitter. Criteria: CeGaT Center For Human Genetics Tuebingen Variant Classification Criteria Version 2. Collection method: clinical testing. Allele origin: germline. Affected: yes. Observed: 1 variant allele.
Comment: TNXB: PM2, BP4

Center for Genomics, Ann and Robert H. Lurie Children's Hospital of Chicago
Classification: Uncertain significance for Ehlers-Danlos syndrome due to tenascin-X deficiency; Vesicoureteral reflux 8. Review status: criteria provided, single submitter. Criteria: ACMG Guidelines, 2015. Collection method: clinical testing. Allele origin: germline.
Comment: TNXB NM_019105.6 exon 8 p.Thr1071Arg (c.3212C>G): This variant has not been reported in the literature and is present in 0.04% (13/29980) of South Asian alleles in the Genome Aggregation Database. This variant amino acid Arginine (Arg) is present in one species (lesser Egyptian jerboa) and is not well conserved among evolutionarily distant species; this suggests that this variant may not impact the protein. However, additional computational prediction tools are conflicting. Of note, computational tools designed to predict splicing suggest a potential effect from this variant through possible activation of a cryptic donor site. However, further studies are needed to understand its impact. In summary, data on this variant is insufficient for disease classification. Therefore, the clinical significance of this variant is uncertain

NM_001365276.2(TNXB):c.3212C>G (p.Thr1071Arg)

Gene: TNXB (tenascin XB; minus strand). Cytogenetic location: 6p21.33.
Variant type: single nucleotide variant.
Coding change: c.3212C>G on transcript NM_001365276.2 (MANE Select); coding-DNA position 3212, C replaced by G.
Protein change: p.Thr1071Arg; replaces threonine 1071 with arginine.
Molecular consequence: missense variant.
Genome position (GRCh38, 1-based): chr6:32,084,646, G>C on the plus strand (C>G on the coding strand, the complement: TNXB is on the minus strand). VCF-style: chr6-32084646-G-C. GRCh37 (hg19) VCF-style: chr6-32052423-G-C.
Other names: c.3212C>G, p.Thr1071Arg (NM_019105.8); c.3212C>G (NM_019105.6); short protein forms T1071R.
Identifiers: ClinVar variation 626037 (VCV000626037.18), dbSNP rs573740606, ClinGen allele CA3735223.